The following is an entry in ClinVar:

NM_004329.3(BMPR1A):c.355C>T (p.Arg119Cys)

Gene: BMPR1A (bone morphogenetic protein receptor type 1A; plus strand). Cytogenetic location: 10q23.2.
Variant type: single nucleotide variant.
Coding change: c.355C>T on transcript NM_004329.3 (MANE Select); coding-DNA position 355, C replaced by T.
Protein change: p.Arg119Cys; replaces arginine 119 with cysteine.
Molecular consequence: missense variant.
Genome position (GRCh38, 1-based): chr10:86,899,815, C>T. VCF-style: chr10-86899815-C-T. GRCh37 (hg19) VCF-style: chr10-88659572-C-T.
Other names: short protein forms R119C.
Identifiers: ClinVar variation 142484 (VCV000142484.31), dbSNP rs587782494, ClinGen allele CA168480.
Genomic context (GRCh38, chr10:86,899,815, plus strand): 5'-ACCAAACCATTTCTAATTTTATCATTACTCTTCTTTTAGGATTCTCCAAAAGCCCAGCTA[C>T]GCCGGACAATAGAATGTTGTCGGACCAATTTATGTAACCAGTATTTGCAACCCACACTGC-3'
Protein context (NP_004320.2, residues 109-129): QCKDSPKAQL[Arg119Cys]RTIECCRTNL

ClinVar aggregate classification (germline): Pathogenic/Likely pathogenic. Review status: criteria provided, multiple submitters, no conflicts (2 of 4 stars). 8 submissions from 8 submitters: Pathogenic (1); Likely pathogenic (7). Last evaluated 2026-06-05.

Conditions:
Juvenile polyposis syndrome (JPS). Identifiers: Orphanet 2929, MedGen C0345893, MONDO:0017380, OMIM 174900.
Hereditary cancer-predisposing syndrome. Also called: Neoplastic Syndromes, Hereditary; Tumor predisposition; Hereditary neoplastic syndrome; Hereditary Cancer Syndrome. Identifiers: Orphanet 140162, MedGen C0027672, MeSH D009386, MONDO:0015356.
Generalized juvenile polyposis/juvenile polyposis coli. Also called: Juvenile polyposis coli. Identifiers: Orphanet 329971, MedGen C1868081, MONDO:0008276.

Allele frequency attached by ClinVar (database versions not stated): TOPMed below 0.00001.

Submissions (8):

Ambry Genetics
Classification: Likely pathogenic for Hereditary cancer-predisposing syndrome. Last evaluated: 2026-06-05. Review status: criteria provided, single submitter. Criteria: Ambry Variant Classification Scheme 2023. Collection method: clinical testing. Allele origin: germline.
Comment: The p.R119C variant (also known as c.355C>T), located in coding exon 4 of the BMPR1A gene, results from a C to T substitution at nucleotide position 355. The arginine at codon 119 is replaced by cysteine, an amino acid with highly dissimilar properties. This alteration has been observed in multiple individuals with a personal and/or family history that is consistent with BMPR1A-related disease (Aretz S et al. J Med Genet, 2007 Nov;44:702-9; Zhao ZY et al. Gastroenterol Rep (Oxf), 2023 Jan;11:goac082; Ambry internal data). This amino acid position is highly conserved in available vertebrate species. In addition, this alteration is predicted to be deleterious by in silico analysis. This variant is considered to be rare based on population cohorts in the Genome Aggregation Database (gnomAD). Based on the majority of available evidence to date, this variant is likely to be pathogenic.

Labcorp Genetics (formerly Invitae), Labcorp
Classification: Pathogenic for Juvenile polyposis syndrome. Last evaluated: 2025-07-28. Review status: criteria provided, single submitter. Criteria: Invitae Variant Classification Sherloc (09022015). Collection method: clinical testing. Allele origin: germline.
Comment: This sequence change replaces arginine, which is basic and polar, with cysteine, which is neutral and slightly polar, at codon 119 of the BMPR1A protein (p.Arg119Cys). This variant is not present in population databases (gnomAD no frequency). This missense change has been observed in individuals with juvenile polyposis syndrome (PMID: 17873119; internal data). ClinVar contains an entry for this variant (Variation ID: 142484). Invitae Evidence Modeling incorporating data from in vitro experimental studies (internal data) indicates that this missense variant is expected to disrupt BMPR1A function with a positive predictive value of 95%. For these reasons, this variant has been classified as Pathogenic.

Molecular Pathology, Peter Maccallum Cancer Centre
Classification: Likely pathogenic for Generalized juvenile polyposis/juvenile polyposis coli. Last evaluated: 2025-06-13. Review status: criteria provided, single submitter. Criteria: ACMG Guidelines, 2015. Collection method: clinical testing. Allele origin: germline. Inheritance: Autosomal dominant inheritance.

ARUP Laboratories, Molecular Genetics and Genomics, ARUP Laboratories
Classification: Likely pathogenic. Last evaluated: 2024-05-01. Review status: criteria provided, single submitter. Criteria: ARUP Molecular Germline Variant Investigation Process 2024. Collection method: clinical testing. Allele origin: germline.
Comment: The BMPR1A c.355C>T; p.Arg119Cys variant (rs587782494) is reported in the literature in individuals affected with juvenile polyposis syndrome (JPS), attenuated familial adenomatous polyposis, and early onset colorectal cancer (Aretz 2007, Jelsig 2023, Yildiz 2023, Zhao 2023), and was apparently de novo variant in one individual (Zhao 2023). The variant also segregated in a family member who presented with JPS (Zhao 2023). This variant is also reported in ClinVar (Variation ID: 142484). This variant is absent from the Genome Aggregation Database (v2.1.1), indicating it is not a common polymorphism. Computational analyses predict that this variant is deleterious (REVEL: 0.825). Based on available information, this variant is considered to be likely pathogenic. References: Aretz S et al. High proportion of large genomic deletions and a genotype phenotype update in 80 unrelated families with juvenile polyposis syndrome. J Med Genet. 2007 Nov;44(11):702-9. PMID: 17873119. Jelsig AM et al. Whole genome sequencing and disease pattern in patients with juvenile polyposis syndrome: a nationwide study. Fam Cancer. 2023 Oct;22(4):429-436. PMID: 37354305. Yildiz S et al. Genetic insights: High germline variant rate in an indigenous African cohort with early-onset colorectal cancer. Front Oncol. 2023 Oct 27;13:1253867. PMID: 37965459. Zhao ZY et al. Re-recognition of BMPR1A-related polyposis: beyond juvenile polyposis and hereditary mixed polyposis syndrome. Gastroenterol Rep (Oxf). 2023 Jan 5;11:goac082. PMID: 36632626.

Quest Diagnostics Nichols Institute San Juan Capistrano
Classification: Likely pathogenic. Last evaluated: 2024-02-23. Review status: criteria provided, single submitter. Criteria: Quest Diagnostics criteria. Collection method: clinical testing. Allele origin: unknown.
Comment: The BMPR1A c.355C>T (p.Arg119Cys) variant has been reported in the published literature in individuals with colorectal cancer and/or colorectal polyps (PMIDs: 37965459 (2023), 36632626 (2023)), including cases of juvenile polyposis syndrome (PMIDs: 37354305 (2023), 17873119 (2007)). This variant has not been reported in large, multi-ethnic general populations (Genome Aggregation Database). Analysis of this variant using bioinformatics tools for the prediction of the effect of amino acid changes on protein structure and function yielded predictions that this variant is damaging. Based on the available information, this variant is classified as likely pathogenic.

GeneDx
Classification: Likely pathogenic. Last evaluated: 2023-12-14. Review status: criteria provided, single submitter. Criteria: GeneDx Variant Classification Process June 2021. Collection method: clinical testing. Allele origin: germline.
Comment: Not observed at significant frequency in large population cohorts (gnomAD); In silico analysis supports that this missense variant does not alter protein structure/function; This variant is associated with the following publications: (PMID: 17873119, 33032550, 28152038, 22799562, 23433720, 10881198)

Myriad Genetics, Inc.
Classification: Likely pathogenic for Juvenile polyposis syndrome. Last evaluated: 2023-12-11. Review status: criteria provided, single submitter. Criteria: Myriad Autosomal Dominant, Autosomal Recessive and X-Linked Classification Criteria (2023). Collection method: clinical testing. Allele origin: unknown.
Comment: This variant is considered likely pathogenic. This variant is expected to disrupt protein structure [Myriad internal data]. This variant has been reported in multiple individuals with clinical features of gene-specific disease [PMID: 17873119, 36632626, 37354305].

Color Diagnostics, LLC DBA Color Health
Classification: Likely pathogenic for Hereditary cancer-predisposing syndrome. Last evaluated: 2023-10-17. Review status: criteria provided, single submitter. Criteria: ACMG Guidelines, 2015. Collection method: clinical testing. Allele origin: germline.
Comment: This missense variant replaces arginine with cysteine at codon 119 of the BMPR1A protein. Computational prediction suggests that this variant may have deleterious impact on protein structure and function (internally defined REVEL score threshold >= 0.7, PMID: 27666373). To our knowledge, functional studies have not been reported for this variant. This variant has been reported in individuals and families affected with juvenile polyposis syndrome and BMPR1A-related disease (PMID: 17873119, 36632626; ClinVar SCV000945914.5, SCV000186643.9). This variant has not been identified in the general population by the Genome Aggregation Database (gnomAD). Based on the available evidence, this variant is classified as Likely Pathogenic.

Literature cited by the submitters: PubMed 17873119 (cited by 5 submitters); PubMed 28152038 (cited by Ambry Genetics); PubMed 36632626 (cited by 4 submitters); PubMed 37354305 (cited by Quest Diagnostics Nichols Institute San Juan Capistrano and Myriad Genetics, Inc.); PubMed 37965459 (cited by Quest Diagnostics Nichols Institute San Juan Capistrano).